The following is an entry in ClinVar:

ClinVar aggregate classification (germline): Benign/Likely benign. Review status: criteria provided, multiple submitters, no conflicts (2 of 4 stars). 2 submissions from 2 submitters: Benign (1); Likely benign (1). Last evaluated 2025-11-01.

Allele frequency attached by ClinVar (database versions not stated): gnomAD 0.00001 and 0.00016; TOPMed 0.00003; gnomAD exomes 0.00038; ExAC 0.00049; 1000 Genomes Project 0.00200; 1000 Genomes Project 30x 0.00234.
gnomAD v4.1: 331 of 1,614,190 alleles (0.021%); highest among the groups gnomAD compares: South Asian, 0.34%; 7 homozygotes.

Submissions (2):

CeGaT Center for Human Genetics Tuebingen
Classification: Likely benign. Last evaluated: 2025-11-01. Review status: criteria provided, single submitter. Criteria: CeGaT Center For Human Genetics Tuebingen Variant Classification Criteria Version 2. Collection method: clinical testing. Allele origin: germline. Affected: yes. Observed: 1 variant allele.
Comment: CAMTA1: BP4, BP7

Labcorp Genetics (formerly Invitae), Labcorp
Classification: Benign. Last evaluated: 2024-09-16. Review status: criteria provided, single submitter. Criteria: Invitae Variant Classification Sherloc (09022015). Collection method: clinical testing. Allele origin: germline.

NM_015215.4(CAMTA1):c.3420C>T (p.Pro1140=)

Gene: CAMTA1 (calmodulin binding transcription activator 1; plus strand). Cytogenetic location: 1p36.23.
Variant type: single nucleotide variant.
Coding change: c.3420C>T on transcript NM_015215.4 (MANE Select); coding-DNA position 3420, C replaced by T.
Protein change: p.Pro1140=; no amino-acid change (proline 1140 retained).
Molecular consequence: synonymous variant.
Genome position (GRCh38, 1-based): chr1:7,737,332, C>T. VCF-style: chr1-7737332-C-T. GRCh37 (hg19) VCF-style: chr1-7797392-C-T.
Other names: c.3330C>T, p.Pro1110= (NM_001349608.2, NM_001349612.2); c.3420C>T, p.Pro1140= (NM_001349609.2, NM_001349610.2); c.549C>T, p.Pro183= (NM_001349613.1); c.492C>T, p.Pro164= (NM_001349614.1, NM_001349615.2, NM_001349616.2 and 10 more transcripts).
Identifiers: ClinVar variation 739718 (VCV000739718.12), dbSNP rs563129438, ClinGen allele CA566956.